The following is an entry in ClinVar:

NM_001379081.2(FREM1):c.5729C>T (p.Thr1910Ile)

Gene: FREM1 (FRAS1 related extracellular matrix 1; minus strand). Cytogenetic location: 9p22.3.
Variant type: single nucleotide variant.
Coding change: c.5729C>T on transcript NM_001379081.2 (MANE Select); coding-DNA position 5729, C replaced by T.
Protein change: p.Thr1910Ile; replaces threonine 1910 with isoleucine.
Molecular consequence: missense variant. On other transcripts: non-coding transcript variant (3).
Genome position (GRCh38, 1-based): chr9:14,748,468, G>A on the plus strand (C>T on the coding strand, the complement: FREM1 is on the minus strand). VCF-style: chr9-14748468-G-A. GRCh37 (hg19) VCF-style: chr9-14748466-G-A.
Other names: c.1337C>T, p.Thr446Ile (NM_001177704.3, NM_001370061.2); c.1187C>T, p.Thr396Ile (NM_001370058.2); c.5729C>T, p.Thr1910Ile (NM_144966.7); short protein forms T396I, T1910I, T446I.
Identifiers: ClinVar variation 1976386 (VCV001976386.5), dbSNP rs2539192933, ClinGen allele CA372955783.
Genomic context (GRCh38, chr9:14,748,468, plus strand): 5'-CCATTCCCACGGGTCCTAAGCTTCCTTTGAGAAAGATCTGTAGAATCAAAGCCCCGCAGG[G>A]TGTCTCCCCTGATGACTGCTAGCTGCATGGAAGATGGAAGAGGTCTTCTTTCCAGATGAA-3'
Protein context (NP_001366010.1, residues 1900-1920): SMQLAVIRGD[Thr1910Ile]LRGFDSTDLS

ClinVar aggregate classification (germline): Uncertain significance (1 of 4 stars; one submission).

Submission:

Labcorp Genetics (formerly Invitae), Labcorp
Classification: Uncertain significance. Last evaluated: 2022-07-19. Review status: criteria provided, single submitter. Criteria: Invitae Variant Classification Sherloc (09022015). Collection method: clinical testing. Allele origin: germline.
Comment: In summary, the available evidence is currently insufficient to determine the role of this variant in disease. Therefore, it has been classified as a Variant of Uncertain Significance. Algorithms developed to predict the effect of missense changes on protein structure and function output the following: SIFT: "Tolerated"; PolyPhen-2: "Benign"; Align-GVGD: "Class C0". The isoleucine amino acid residue is found in multiple mammalian species, which suggests that this missense change does not adversely affect protein function. This variant has not been reported in the literature in individuals affected with FREM1-related conditions. This variant is not present in population databases (gnomAD no frequency). This sequence change replaces threonine, which is neutral and polar, with isoleucine, which is neutral and non-polar, at codon 1910 of the FREM1 protein (p.Thr1910Ile).